The following is an entry in ClinVar:

NM_016169.4(SUFU):c.1321G>A (p.Glu441Lys)

Gene: SUFU (SUFU negative regulator of hedgehog signaling; plus strand). Cytogenetic location: 10q24.32.
Variant type: single nucleotide variant.
Coding change: c.1321G>A on transcript NM_016169.4 (MANE Select); coding-DNA position 1321, G replaced by A.
Protein change: p.Glu441Lys; replaces glutamic acid 441 with lysine.
Molecular consequence: missense variant.
Genome position (GRCh38, 1-based): chr10:102,627,199, G>A. VCF-style: chr10-102627199-G-A. GRCh37 (hg19) VCF-style: chr10-104386956-G-A.
Other names: short protein forms E441K.
Identifiers: ClinVar variation 5030355 (VCV005030355.1).

ClinVar aggregate classification (germline): Uncertain significance (1 of 4 stars; one submission).

Conditions:
Hereditary cancer-predisposing syndrome. Also called: Neoplastic Syndromes, Hereditary; Tumor predisposition; Hereditary neoplastic syndrome; Hereditary Cancer Syndrome. Identifiers: Orphanet 140162, MedGen C0027672, MeSH D009386, MONDO:0015356.

gnomAD v4.1: 1 of 1,614,252 alleles (0.000062%); highest among the groups gnomAD compares: Non-Finnish European, 0.000085%; no homozygotes.

Submission:

Ambry Genetics
Classification: Uncertain significance for Hereditary cancer-predisposing syndrome. Last evaluated: 2026-07-06. Review status: criteria provided, single submitter. Criteria: Ambry Variant Classification Scheme 2023. Collection method: clinical testing. Allele origin: germline.
Comment: The p.E441K variant (also known as c.1321G>A), located in coding exon 11 of the SUFU gene, results from a G to A substitution at nucleotide position 1321. The glutamic acid at codon 441 is replaced by lysine, an amino acid with similar properties. This amino acid position is conserved. In addition, this alteration is predicted to be tolerated by in silico analysis. Based on the available evidence, the clinical significance of this variant remains unclear.